The following is an entry in ClinVar:

ClinVar aggregate classification (germline): Uncertain significance (1 of 4 stars; one submission).

Submission:

Labcorp Genetics (formerly Invitae), Labcorp
Classification: Uncertain significance. Last evaluated: 2022-02-18. Review status: criteria provided, single submitter. Criteria: Invitae Variant Classification Sherloc (09022015). Collection method: clinical testing. Allele origin: germline.
Comment: In summary, the available evidence is currently insufficient to determine the role of this variant in disease. Therefore, it has been classified as a Variant of Uncertain Significance. Algorithms developed to predict the effect of missense changes on protein structure and function are either unavailable or do not agree on the potential impact of this missense change (SIFT: "Not Available"; PolyPhen-2: "Benign"; Align-GVGD: "Not Available"). This variant has not been reported in the literature in individuals affected with USH1G-related conditions. This variant is not present in population databases (gnomAD no frequency). This sequence change replaces leucine, which is neutral and non-polar, with methionine, which is neutral and non-polar, at codon 329 of the USH1G protein (p.Leu329Met).

NM_173477.5(USH1G):c.985C>A (p.Leu329Met)

Gene: USH1G (USH1 protein network component sans; minus strand). Cytogenetic location: 17q25.1.
Variant type: single nucleotide variant.
Coding change: c.985C>A on transcript NM_173477.5 (MANE Select); coding-DNA position 985, C replaced by A.
Protein change: p.Leu329Met; replaces leucine 329 with methionine.
Molecular consequence: missense variant.
Genome position (GRCh38, 1-based): chr17:74,919,851, G>T on the plus strand (C>A on the coding strand, the complement: USH1G is on the minus strand). VCF-style: chr17-74919851-G-T. GRCh37 (hg19) VCF-style: chr17-72915946-G-T.
Other names: c.676C>A, p.Leu226Met (NM_001282489.3); short protein forms L329M, L226M.
Identifiers: ClinVar variation 2097557 (VCV002097557.4), dbSNP rs2038913921, ClinGen allele CA400962149.